The following is an entry in ClinVar:

NM_004006.3(DMD):c.2210G>T (p.Arg737Leu)

Gene: DMD (dystrophin; minus strand). Cytogenetic location: Xp21.1.
Variant type: single nucleotide variant.
Coding change: c.2210G>T on transcript NM_004006.3 (MANE Select); coding-DNA position 2210, G replaced by T.
Protein change: p.Arg737Leu; replaces arginine 737 with leucine.
Molecular consequence: missense variant.
Genome position (GRCh38, 1-based): chrX:32,518,090, C>A on the plus strand (G>T on the coding strand, the complement: DMD is on the minus strand). VCF-style: chrX-32518090-C-A. GRCh37 (hg19) VCF-style: chrX-32536207-C-A.
Other names: c.2210G>T (NM_004006.2); c.2186G>T, p.Arg729Leu (NM_000109.4); c.2198G>T, p.Arg733Leu (NM_004009.3); c.1841G>T, p.Arg614Leu (NM_004010.3); short protein forms R737L, R614L, R729L, R733L.
Identifiers: ClinVar variation 1489612 (VCV001489612.5), dbSNP rs773358704, ClinGen allele CA412664011.

ClinVar aggregate classification (germline): Uncertain significance. Review status: criteria provided, multiple submitters, no conflicts (2 of 4 stars). 2 submissions from 2 submitters: Uncertain significance (2). Last evaluated 2025-05-23.

Conditions:
Duchenne muscular dystrophy (DMD). Also called: Duchenne Muscular Dystrophy (DMD); MUSCULAR DYSTROPHY, PSEUDOHYPERTROPHIC PROGRESSIVE, DUCHENNE TYPE. Identifiers: Orphanet 98896, MedGen C0013264, MONDO:0010679, OMIM 310200.
Cardiovascular phenotype. Identifiers: MedGen CN230736.

gnomAD v4.1: 2 of 1,209,902 alleles (0.00017%); highest among the groups gnomAD compares: South Asian, 0.0018%; no homozygotes.

Submissions (2):

Labcorp Genetics (formerly Invitae), Labcorp
Classification: Uncertain significance for Duchenne muscular dystrophy. Last evaluated: 2025-05-23. Review status: criteria provided, single submitter. Criteria: Invitae Variant Classification Sherloc (09022015). Collection method: clinical testing. Allele origin: germline.
Comment: This sequence change replaces arginine, which is basic and polar, with leucine, which is neutral and non-polar, at codon 737 of the DMD protein (p.Arg737Leu). The frequency data for this variant in the population databases is considered unreliable, as metrics indicate poor data quality at this position in the gnomAD database. This variant has not been reported in the literature in individuals affected with DMD-related conditions. ClinVar contains an entry for this variant (Variation ID: 1489612). Invitae Evidence Modeling of protein sequence and biophysical properties (such as structural, functional, and spatial information, amino acid conservation, physicochemical variation, residue mobility, and thermodynamic stability) indicates that this missense variant is not expected to disrupt DMD protein function with a negative predictive value of 95%. In summary, the available evidence is currently insufficient to determine the role of this variant in disease. Therefore, it has been classified as a Variant of Uncertain Significance.

Molecular Diagnostic Laboratory for Inherited Cardiovascular Disease, Montreal Heart Institute
Classification: Uncertain significance for Cardiovascular phenotype. Last evaluated: 2025-04-09. Review status: criteria provided, single submitter. Criteria: ACMG Guidelines, 2015. Collection method: clinical testing. Allele origin: germline. Affected: yes.